The following is an entry in ClinVar:

ClinVar aggregate classification (germline): Uncertain significance. Review status: criteria provided, multiple submitters, no conflicts (2 of 4 stars). 2 submissions from 2 submitters: Uncertain significance (2). Last evaluated 2023-10-31.

Conditions:
Hereditary cancer-predisposing syndrome. Also called: Hereditary Cancer Syndrome; Neoplastic Syndromes, Hereditary; Tumor predisposition; Hereditary neoplastic syndrome. Identifiers: Orphanet 140162, MedGen C0027672, MeSH D009386, MONDO:0015356.
Cardiovascular phenotype. Identifiers: MedGen CN230736.
Neurofibromatosis, type 1 (NF1). Also called: VON RECKLINGHAUSEN DISEASE; Peripheral type neurofibromatosis; Neurofibromatosis, type I; NEUROFIBROMATOSIS, TYPE I, SOMATIC. Identifiers: Orphanet 636, MedGen C0027831, MONDO:0018975, OMIM 162200. Disease mechanism: loss of function.

gnomAD v4.1: 1 of 1,613,420 alleles (0.000062%); highest among the groups gnomAD compares: Non-Finnish European, 0.000085%; no homozygotes.

Submissions (2):

Ambry Genetics
Classification: Uncertain significance for Cardiovascular phenotype; Hereditary cancer-predisposing syndrome. Last evaluated: 2023-10-31. Review status: criteria provided, single submitter. Criteria: Ambry Variant Classification Scheme 2023. Collection method: clinical testing. Allele origin: germline.
Comment: The p.D1689N variant (also known as c.5065G>A), located in coding exon 36 of the NF1 gene, results from a G to A substitution at nucleotide position 5065. The aspartic acid at codon 1689 is replaced by asparagine, an amino acid with highly similar properties. This amino acid position is highly conserved in available vertebrate species. In addition, this alteration is predicted to be tolerated by in silico analysis. Since supporting evidence is limited at this time, the clinical significance of this alteration remains unclear.

Labcorp Genetics (formerly Invitae), Labcorp
Classification: Uncertain significance for Neurofibromatosis, type 1. Last evaluated: 2023-07-10. Review status: criteria provided, single submitter. Criteria: Invitae Variant Classification Sherloc (09022015). Collection method: clinical testing. Allele origin: germline.
Comment: This sequence change replaces aspartic acid, which is acidic and polar, with asparagine, which is neutral and polar, at codon 1689 of the NF1 protein (p.Asp1689Asn). This variant is not present in population databases (gnomAD no frequency). This variant has not been reported in the literature in individuals affected with NF1-related conditions. ClinVar contains an entry for this variant (Variation ID: 1348536). Advanced modeling of protein sequence and biophysical properties (such as structural, functional, and spatial information, amino acid conservation, physicochemical variation, residue mobility, and thermodynamic stability) performed at Invitae indicates that this missense variant is expected to disrupt NF1 protein function. In summary, the available evidence is currently insufficient to determine the role of this variant in disease. Therefore, it has been classified as a Variant of Uncertain Significance.

NM_001042492.3(NF1):c.5128G>A (p.Asp1710Asn)

Gene: NF1 (neurofibromin 1; plus strand). Cytogenetic location: 17q11.2.
Variant type: single nucleotide variant.
Coding change: c.5128G>A on transcript NM_001042492.3 (MANE Select); coding-DNA position 5128, G replaced by A.
Protein change: p.Asp1710Asn; replaces aspartic acid 1710 with asparagine.
Molecular consequence: missense variant.
Genome position (GRCh38, 1-based): chr17:31,326,112, G>A. VCF-style: chr17-31326112-G-A. GRCh37 (hg19) VCF-style: chr17-29653130-G-A.
Other names: c.5065G>A, p.Asp1689Asn (NM_000267.4); short protein forms D1689N, D1710N.
Identifiers: ClinVar variation 1348536 (VCV001348536.9), dbSNP rs1428709938, ClinGen allele CA399007737.